The following is an entry in ClinVar:

ClinVar aggregate classification (germline): Pathogenic/Likely pathogenic. Review status: criteria provided, multiple submitters, no conflicts (2 of 4 stars). 3 submissions from 3 submitters: Pathogenic (1); Likely pathogenic (2). Last evaluated 2026-08-06.

Conditions:
Congenital lactic acidosis, Saguenay-Lac-Saint-Jean type (MC4DN5). Also called: MITOCHONDRIAL COMPLEX IV DEFICIENCY, NUCLEAR TYPE 5; CYTOCHROME c OXIDASE DEFICIENCY, FRENCH CANADIAN TYPE; COX DEFICIENCY, FRENCH CANADIAN TYPE. Identifiers: Orphanet 70472, MedGen C1857355, MONDO:0009069, OMIM 220111.

Submissions (3):

OLLIN Analises Genomicas, OLLIN
Classification: Likely pathogenic for Congenital lactic acidosis, Saguenay-Lac-Saint-Jean type. Last evaluated: 2026-08-06. Review status: criteria provided, single submitter. Criteria: ACMG Guidelines 2015 PMID 25741868. Collection method: clinical testing. Allele origin: germline.
Comment: This nonsense variant, located in exon 20 (of 38), is absent from gnomAD and has not been identified in the literature. However, it has been reported in ClinVar (accession VCV002804176.4). This variant introduces a premature stop codon, which is predicted to result in either a truncated protein or degradation of the mRNA via nonsense-mediated decay (NMD). According to the currently available evidence, this variant has been classified as likely pathogenic (PVS1, PM2_P).

Natera, Inc.
Classification: Likely pathogenic for French-Canadian type Leigh syndrome. Last evaluated: 2024-03-20. Review status: criteria provided, single submitter. Criteria: Natera Variant Classification Schema (03/2026). Collection method: clinical testing. Allele origin: germline.
Comment: The c.2050C>T variant in LRPPRC is a nonsense variant predicted to introduce a stop codon at amino acid 684. This variant is expected to result in nonsense mediated decay, truncation, or a dysfunctional protein product. This variant is rare in the general population with a frequency below the threshold expected for the associated phenotype(s). Given the available evidence, this variant is classified as Likely Pathogenic.

Labcorp Genetics (formerly Invitae), Labcorp
Classification: Pathogenic. Last evaluated: 2023-05-28. Review status: criteria provided, single submitter. Criteria: Invitae Variant Classification Sherloc (09022015). Collection method: clinical testing. Allele origin: germline.
Comment: For these reasons, this variant has been classified as Pathogenic. This variant has not been reported in the literature in individuals affected with LRPPRC-related conditions. This variant is not present in population databases (gnomAD no frequency). This sequence change creates a premature translational stop signal (p.Gln684*) in the LRPPRC gene. It is expected to result in an absent or disrupted protein product. Loss-of-function variants in LRPPRC are known to be pathogenic (PMID: 26510951).

Literature cited by the submitters: PubMed 26510951 (cited by Labcorp Genetics (formerly Invitae), Labcorp).

NM_133259.4(LRPPRC):c.2050C>T (p.Gln684Ter)

Gene: LRPPRC (leucine rich pentatricopeptide repeat containing; minus strand). Cytogenetic location: 2p21.
Variant type: single nucleotide variant.
Coding change: c.2050C>T on transcript NM_133259.4 (MANE Select); coding-DNA position 2050, C replaced by T.
Protein change: p.Gln684Ter; replaces glutamine 684 with a stop codon.
Molecular consequence: nonsense.
Genome position (GRCh38, 1-based): chr2:43,947,286, G>A on the plus strand (C>T on the coding strand, the complement: LRPPRC is on the minus strand). VCF-style: chr2-43947286-G-A. GRCh37 (hg19) VCF-style: chr2-44174425-G-A.
Other names: c.2050C>T (NM_133259.3); short protein forms Q684*.
Identifiers: ClinVar variation 2804176 (VCV002804176.5), dbSNP rs2466569420, ClinGen allele CA346674988.